The following is an entry in ClinVar:

ClinVar aggregate classification (germline): Likely benign (0 of 4 stars; one submission).

Conditions:
ITGB6-related disorder. Also called: ITGB6-related condition.

Allele frequency attached by ClinVar (database versions not stated): TOPMed 0.00002; gnomAD 0.00003; gnomAD exomes 0.00009; 1000 Genomes Project 30x 0.00016; 1000 Genomes Project 0.00020; ExAC 0.00022.
gnomAD v4.1: 148 of 1,614,124 alleles (0.0092%); highest among the groups gnomAD compares: South Asian, 0.14%; 1 homozygote.

Submission:

PreventionGenetics, part of Exact Sciences
Classification: Likely benign for ITGB6-related condition. Last evaluated: 2019-04-18. Review status: no assertion criteria provided. Collection method: clinical testing. Allele origin: germline.
Comment: This variant is classified as likely benign based on ACMG/AMP sequence variant interpretation guidelines (Richards et al. 2015 PMID: 25741868, with internal and published modifications).

NM_000888.5(ITGB6):c.1782C>T (p.Arg594=)

Gene: ITGB6 (integrin subunit beta 6; minus strand). Cytogenetic location: 2q24.2.
Variant type: single nucleotide variant.
Coding change: c.1782C>T on transcript NM_000888.5 (MANE Select); coding-DNA position 1782, C replaced by T.
Protein change: p.Arg594=; no amino-acid change (arginine 594 retained).
Molecular consequence: synonymous variant. On other transcripts: intron variant (1).
Genome position (GRCh38, 1-based): chr2:160,126,480, G>A on the plus strand (C>T on the coding strand, the complement: ITGB6 is on the minus strand). VCF-style: chr2-160126480-G-A. GRCh37 (hg19) VCF-style: chr2-160982991-G-A.
Other names: c.1782C>T, p.Arg594= (NM_001282353.2); c.1497C>T, p.Arg499= (NM_001282354.2); c.1656C>T, p.Arg552= (NM_001282388.2); c.1563C>T, p.Arg521= (NM_001282389.2); c.1368C>T, p.Arg456= (NM_001282390.2); c.1660+10954C>T (NM_001282355.2).
Identifiers: ClinVar variation 3046498 (VCV003046498.2), dbSNP rs562634905, ClinGen allele CA1929103.